The following is an entry in ClinVar:

NM_182972.3(IRF2BP2):c.601A>G (p.Thr201Ala)

Genes: IRF2BP2 (interferon regulatory factor 2 binding protein 2; minus strand), LOC129932811 (ATAC-STARR-seq lymphoblastoid silent region 1976; plus strand). Cytogenetic location: 1q42.3.
Variant type: single nucleotide variant.
Coding change: c.601A>G on transcript NM_182972.3 (MANE Select); coding-DNA position 601, A replaced by G.
Protein change: p.Thr201Ala; replaces threonine 201 with alanine.
Molecular consequence: missense variant.
Genome position (GRCh38, 1-based): chr1:234,608,894, T>C on the plus strand (A>G on the coding strand, the complement: IRF2BP2 is on the minus strand). VCF-style: chr1-234608894-T-C. GRCh37 (hg19) VCF-style: chr1-234744640-T-C.
Other names: c.601A>G, p.Thr201Ala (NM_001077397.1); short protein forms T201A.
Identifiers: ClinVar variation 2779807 (VCV002779807.3), dbSNP rs2102769741, ClinGen allele CA345309406.
Genomic context (GRCh38, chr1:234,608,894, plus strand): 5'-CCGCGGTTCCGGACACCGCGGCTAAGGAGGCGGCAGCGCGGCCGCCGAGGCCGAGCGCGG[T>C]GGGCAGCGGCGTGGCCGAGCCGTTCATGAGCGGCACCAGGGTGGGCGGCACCGCGTGGCC-3'
Protein context (NP_892017.2, residues 191-211): LMNGSATPLP[Thr201Ala]ALGLGGRAAA

ClinVar aggregate classification (germline): Uncertain significance (1 of 4 stars; one submission).

Submission:

Labcorp Genetics (formerly Invitae), Labcorp
Classification: Uncertain significance. Last evaluated: 2023-11-09. Review status: criteria provided, single submitter. Criteria: Invitae Variant Classification Sherloc (09022015). Collection method: clinical testing. Allele origin: germline.
Comment: This sequence change replaces threonine, which is neutral and polar, with alanine, which is neutral and non-polar, at codon 201 of the IRF2BP2 protein (p.Thr201Ala). This variant is not present in population databases (gnomAD no frequency). This variant has not been reported in the literature in individuals affected with IRF2BP2-related conditions. Algorithms developed to predict the effect of missense changes on protein structure and function output the following: SIFT: "Not Available"; PolyPhen-2: "Benign"; Align-GVGD: "Not Available". The alanine amino acid residue is found in multiple mammalian species, which suggests that this missense change does not adversely affect protein function. In summary, the available evidence is currently insufficient to determine the role of this variant in disease. Therefore, it has been classified as a Variant of Uncertain Significance.